The following is an entry in ClinVar:

ClinVar aggregate classification (germline): Uncertain significance. Review status: criteria provided, multiple submitters, no conflicts (2 of 4 stars). 2 submissions from 2 submitters: Uncertain significance (2). Last evaluated 2023-05-16.

Conditions:
Catecholaminergic polymorphic ventricular tachycardia (CVPT). Also called: Catecholamine-induced polymorphic ventricular tachycardia. Identifiers: Orphanet 3286, MedGen C5574922, MONDO:0017990.
Cardiomyopathy (CMYO). Also called: Cardiomyopathies. Identifiers: Orphanet 167848, MedGen C0878544, MONDO:0004994, HP:0001638. Inheritance: Various modes of inheritance.

Submissions (2):

All of Us Research Program, National Institutes of Health
Classification: Uncertain significance for Catecholaminergic polymorphic ventricular tachycardia. Last evaluated: 2023-05-16. Review status: criteria provided, single submitter. Criteria: ACMG Guidelines, 2015. Collection method: clinical testing. Allele origin: germline. Inheritance: Autosomal dominant inheritance. Observed: 1 variant allele, 1 heterozygote.
Comment: This variant is located in the intron 35 splice acceptor region of the RYR2 gene. Computational splicing tools and conservation analyses are inconclusive regarding the impact of this variant on RNA splicing. To our knowledge, functional studies have not been reported for this variant nor has this variant been reported in individuals affected with cardiovascular disorders in the literature. This variant has not been identified in the general population by the Genome Aggregation Database (gnomAD). Available evidence is insufficient to determine the role of this variant in disease conclusively. Therefore, this variant is classified as a Variant of Uncertain Significance.

This study involves interpretation of variants in research participants for the purpose of population health screening. Participant phenotype was not available at the time of variant classification. Additional details can be found in publication PMID: 35346344, PMCID: PMC8962531

Color Diagnostics, LLC DBA Color Health
Classification: Uncertain significance for Cardiomyopathy. Last evaluated: 2023-04-21. Review status: criteria provided, single submitter. Criteria: ACMG Guidelines, 2015. Collection method: clinical testing. Allele origin: germline.
Comment: This variant is located in the intron 35 splice acceptor region of the RYR2 gene. Computational splicing tools and conservation analyses are inconclusive regarding the impact of this variant on RNA splicing. To our knowledge, functional studies have not been reported for this variant nor has this variant been reported in individuals affected with cardiovascular disorders in the literature. This variant has not been identified in the general population by the Genome Aggregation Database (gnomAD). Available evidence is insufficient to determine the role of this variant in disease conclusively. Therefore, this variant is classified as a Variant of Uncertain Significance.

NM_001035.3(RYR2):c.4684-7C>A

Gene: RYR2 (ryanodine receptor 2; plus strand). Cytogenetic location: 1q43.
Variant type: single nucleotide variant.
Coding change: c.4684-7C>A on transcript NM_001035.3 (MANE Select); 7 bases into the intron before coding-DNA position 4684, C replaced by A.
Molecular consequence: intron variant.
Genome position (GRCh38, 1-based): chr1:237,610,755, C>A. VCF-style: chr1-237610755-C-A. GRCh37 (hg19) VCF-style: chr1-237774055-C-A.
Identifiers: ClinVar variation 926140 (VCV000926140.6), dbSNP rs563233361, ClinGen allele CA913203433.
Genomic context (GRCh38, chr1:237,610,755, plus strand): 5'-AGTCATTACTTTGTGAACCCCAAGGGATGTTCTACATTTATTCTTTTTCTGCCTCCCCAT[C>A]CGCTAGAATGTGATGCCTCTCTCGGCGGGATTATTCAAGAGTGAGCACAAGAACCCCGTG-3'